The following is an entry in ClinVar:

ClinVar aggregate classification (germline): Likely benign. Review status: criteria provided, multiple submitters, no conflicts (2 of 4 stars). 4 submissions from 4 submitters: Likely benign (4). Last evaluated 2024-08-01.

Conditions:
Juvenile polyposis syndrome (JPS). Identifiers: Orphanet 2929, MedGen C0345893, MONDO:0017380, OMIM 174900.
Hereditary cancer-predisposing syndrome. Also called: Hereditary neoplastic syndrome; Neoplastic Syndromes, Hereditary; Tumor predisposition; Hereditary Cancer Syndrome. Identifiers: Orphanet 140162, MedGen C0027672, MeSH D009386, MONDO:0015356.

Allele frequency attached by ClinVar (database versions not stated): TOPMed below 0.00001.
gnomAD v4.1: 1 of 1,611,984 alleles (0.000062%); highest among the groups gnomAD compares: Non-Finnish European, 0.000085%; no homozygotes.

Submissions (4):

Myriad Genetics, Inc.
Classification: Likely benign for Juvenile polyposis syndrome. Last evaluated: 2024-08-01. Review status: criteria provided, single submitter. Criteria: Myriad Autosomal Dominant, Autosomal Recessive and X-Linked Classification Criteria (2023). Collection method: clinical testing. Allele origin: unknown.
Comment: This variant is considered likely benign. This variant is intronic and is not expected to impact mRNA splicing.

Labcorp Genetics (formerly Invitae), Labcorp
Classification: Likely benign for Juvenile polyposis syndrome. Last evaluated: 2023-10-06. Review status: criteria provided, single submitter. Criteria: Invitae Variant Classification Sherloc (09022015). Collection method: clinical testing. Allele origin: germline.

Ambry Genetics
Classification: Likely benign for Hereditary cancer-predisposing syndrome. Last evaluated: 2022-07-15. Review status: criteria provided, single submitter. Criteria: Ambry Variant Classification Scheme 2023. Collection method: clinical testing. Allele origin: germline.

Color Diagnostics, LLC DBA Color Health
Classification: Likely benign for Hereditary cancer-predisposing syndrome. Last evaluated: 2020-03-13. Review status: criteria provided, single submitter. Criteria: ACMG Guidelines, 2015. Collection method: clinical testing. Allele origin: germline.

NM_004329.3(BMPR1A):c.334-4T>C

Gene: BMPR1A (bone morphogenetic protein receptor type 1A; plus strand). Cytogenetic location: 10q23.2.
Variant type: single nucleotide variant.
Coding change: c.334-4T>C on transcript NM_004329.3 (MANE Select); 4 bases into the intron before coding-DNA position 334, T replaced by C.
Molecular consequence: intron variant.
Genome position (GRCh38, 1-based): chr10:86,899,790, T>C. VCF-style: chr10-86899790-T-C. GRCh37 (hg19) VCF-style: chr10-88659547-T-C.
Identifiers: ClinVar variation 460496 (VCV000460496.15), dbSNP rs1060504904, ClinGen allele CA658657978.
Genomic context (GRCh38, chr10:86,899,790, plus strand): 5'-CTAAAAAGACATATCAGTTTAAAATACCAAACCATTTCTAATTTTATCATTACTCTTCTT[T>C]TAGGATTCTCCAAAAGCCCAGCTACGCCGGACAATAGAATGTTGTCGGACCAATTTATGT-3'